The following is an entry in ClinVar:

NM_021969.3(NR0B2):c.712C>T (p.Arg238Cys)

Genes: NR0B2 (nuclear receptor subfamily 0 group B member 2; minus strand), NUDC (nuclear distribution C, dynein complex regulator; plus strand). Cytogenetic location: 1p36.11.
Variant type: single nucleotide variant.
Coding change: c.712C>T on transcript NM_021969.3 (MANE Select); coding-DNA position 712, C replaced by T.
Protein change: p.Arg238Cys; replaces arginine 238 with cysteine.
Molecular consequence: missense variant.
Genome position (GRCh38, 1-based): chr1:26,911,907, G>A on the plus strand (C>T on the coding strand, the complement: NR0B2 is on the minus strand). VCF-style: chr1-26911907-G-A. GRCh37 (hg19) VCF-style: chr1-27238398-G-A.
Other names: c.712C>T (NM_021969.2); short protein forms R238C.
Identifiers: ClinVar variation 1339332 (VCV001339332.8), dbSNP rs777140276, ClinGen allele CA709553.

ClinVar aggregate classification (germline): Uncertain significance. Review status: criteria provided, multiple submitters, no conflicts (2 of 4 stars). 5 submissions from 4 submitters: Uncertain significance (4). 1 of the submissions does not count toward it. Last evaluated 2023-02-14.

Conditions:
Inherited obesity. Also called: Monogenic Obesity. Identifiers: Orphanet 77828, MedGen C4054476, MONDO:0019182, OMIM 601665.
NR0B2-related disorder. Also called: NR0B2-related condition.
Obesity. Also called: Obesity disorder. Identifiers: Orphanet 71529, MedGen C0028754, MeSH D009765, MONDO:0011122, HP:0001513.

Allele frequency attached by ClinVar (database versions not stated): gnomAD 0.00001; TOPMed 0.00002.
gnomAD v4.1: 65 of 1,614,058 alleles (0.004%); highest among the groups gnomAD compares: South Asian, 0.036%; no homozygotes.

Submissions (5):

Ambry Genetics
Classification: Uncertain significance. Last evaluated: 2023-02-14. Review status: criteria provided, single submitter. Criteria: Ambry Variant Classification Scheme 2023. Collection method: clinical testing. Allele origin: germline.

Institute of Human Genetics, University of Leipzig Medical Center
Classification: Uncertain significance for Inherited obesity. Last evaluated: 2022-03-31. Review status: criteria provided, single submitter. Criteria: ACMG Guidelines, 2015. Collection method: clinical testing. Allele origin: maternal. Inheritance: Autosomal dominant inheritance. Affected: yes.

Institute of Human Genetics, University of Leipzig Medical Center
Classification: Uncertain significance for Inherited obesity. Last evaluated: 2022-03-21. Review status: criteria provided, single submitter. Criteria: ACMG Guidelines, 2015. Collection method: clinical testing. Allele origin: unknown. Affected: yes.
Comment: _x000D_ Criteria applied: PM2_SUP, PP3

Molecular Endocrinology Laboratory, Christian Medical College
Classification: Uncertain significance for Inherited obesity. Review status: criteria provided, single submitter. Criteria: ACMG Guidelines, 2015. Collection method: clinical testing. Allele origin: germline. Affected: yes.

PreventionGenetics, part of Exact Sciences
Classification: Uncertain significance for NR0B2-related condition. Last evaluated: 2024-01-30. Review status: no assertion criteria provided. Collection method: clinical testing. Allele origin: germline. Not counted in ClinVar's aggregate classification.
Comment: The NR0B2 c.712C>T variant is predicted to result in the amino acid substitution p.Arg238Cys. To our knowledge, this variant has not been reported in the literature. This variant is reported in 0.046% of alleles in individuals of South Asian descent in gnomAD. At this time, the clinical significance of this variant is uncertain due to the absence of conclusive functional and genetic evidence.